The following is an entry in ClinVar:

ClinVar aggregate classification (germline): Uncertain significance (1 of 4 stars; one submission).

Allele frequency attached by ClinVar (database versions not stated): gnomAD 0.00013 and 0.00021; TOPMed 0.00018; ESP Exome Variant Server 0.00023; gnomAD exomes 0.00028; ExAC 0.00036.
gnomAD v4.1: 404 of 1,613,072 alleles (0.025%); highest among the groups gnomAD compares: Middle Eastern, 0.27%; 9 homozygotes.

Submission:

Labcorp Genetics (formerly Invitae), Labcorp
Classification: Uncertain significance. Last evaluated: 2026-01-02. Review status: criteria provided, single submitter. Criteria: Invitae Variant Classification Sherloc (09022015). Collection method: clinical testing. Allele origin: germline.
Comment: This sequence change replaces arginine, which is basic and polar, with glutamine, which is neutral and polar, at codon 1991 of the DSCAML1 protein (p.Arg1991Gln). This variant is present in population databases (rs145244816, gnomAD 0.1%), and has an allele count higher than expected for a pathogenic variant. This variant has not been reported in the literature in individuals affected with DSCAML1-related conditions. ClinVar contains an entry for this variant (Variation ID: 1350629). An algorithm developed to predict the effect of missense changes on protein structure and function (PolyPhen-2) suggests that this variant is likely to be disruptive. In summary, the available evidence is currently insufficient to determine the role of this variant in disease. Therefore, it has been classified as a Variant of Uncertain Significance.

NM_020693.4(DSCAML1):c.5792G>A (p.Arg1931Gln)

Gene: DSCAML1 (DS cell adhesion molecule like 1; minus strand). Cytogenetic location: 11q23.3.
Variant type: single nucleotide variant.
Coding change: c.5792G>A on transcript NM_020693.4 (MANE Select); coding-DNA position 5792, G replaced by A.
Protein change: p.Arg1931Gln; replaces arginine 1931 with glutamine.
Molecular consequence: missense variant.
Genome position (GRCh38, 1-based): chr11:117,428,698, C>T on the plus strand (G>A on the coding strand, the complement: DSCAML1 is on the minus strand). VCF-style: chr11-117428698-C-T. GRCh37 (hg19) VCF-style: chr11-117299414-C-T.
Other names: short protein forms R1931Q.
Identifiers: ClinVar variation 1350629 (VCV001350629.6), dbSNP rs145244816, ClinGen allele CA6295965.